The following is an entry in ClinVar:

ClinVar aggregate classification (germline): Uncertain significance (1 of 4 stars; one submission).

Submission:

Labcorp Genetics (formerly Invitae), Labcorp
Classification: Uncertain significance. Last evaluated: 2022-11-22. Review status: criteria provided, single submitter. Criteria: Invitae Variant Classification Sherloc (09022015). Collection method: clinical testing. Allele origin: germline.
Comment: This variant has not been reported in the literature in individuals affected with PLXNA2-related conditions. This variant is not present in population databases (gnomAD no frequency). This sequence change replaces tyrosine, which is neutral and polar, with histidine, which is basic and polar, at codon 133 of the PLXNA2 protein (p.Tyr133His). Advanced modeling of protein sequence and biophysical properties (such as structural, functional, and spatial information, amino acid conservation, physicochemical variation, residue mobility, and thermodynamic stability) performed at Invitae indicates that this missense variant is not expected to disrupt PLXNA2 protein function. In summary, the available evidence is currently insufficient to determine the role of this variant in disease. Therefore, it has been classified as a Variant of Uncertain Significance.

NM_025179.4(PLXNA2):c.397T>C (p.Tyr133His)

Gene: PLXNA2 (plexin A2; minus strand). Cytogenetic location: 1q32.2.
Variant type: single nucleotide variant.
Coding change: c.397T>C on transcript NM_025179.4 (MANE Select); coding-DNA position 397, T replaced by C.
Protein change: p.Tyr133His; replaces tyrosine 133 with histidine.
Molecular consequence: missense variant.
Genome position (GRCh38, 1-based): chr1:208,217,526, A>G on the plus strand (T>C on the coding strand, the complement: PLXNA2 is on the minus strand). VCF-style: chr1-208217526-A-G. GRCh37 (hg19) VCF-style: chr1-208390871-A-G.
Other names: short protein forms Y133H.
Identifiers: ClinVar variation 2009954 (VCV002009954.4), dbSNP rs1671175183, ClinGen allele CA344559707.
Genomic context (GRCh38, chr1:208,217,526, plus strand): 5'-GGGATGGCTCCACCAGGATGAAGAGGTCATCCAGCCGCAGCAGCTTGCAGACCCCCTGGT[A>G]GAGGCTCCCACAGGCCAGCAGGCGGTTCTCAGAGTAGTCAATGATGAGCAGCTTGTTGAC-3'
Protein context (NP_079455.3, residues 123-143): ENRLLACGSL[Tyr133His]QGVCKLLRLD